The following is an entry in ClinVar:

ClinVar aggregate classification (germline): Pathogenic (1 of 4 stars; one submission).

Submission:

Labcorp Genetics (formerly Invitae), Labcorp
Classification: Pathogenic. Last evaluated: 2022-08-20. Review status: criteria provided, single submitter. Criteria: Invitae Variant Classification Sherloc (09022015). Collection method: clinical testing. Allele origin: germline.
Comment: This variant has not been reported in the literature in individuals affected with COL9A2-related conditions. This variant is present in population databases (no rsID available, gnomAD 0.003%). This sequence change creates a premature translational stop signal (p.His573Profs*33) in the COL9A2 gene. It is expected to result in an absent or disrupted protein product. Loss-of-function variants in COL9A2 are known to be pathogenic (PMID: 21671392, 33356723). For these reasons, this variant has been classified as Pathogenic.

Literature cited by the submitters: PubMed 21671392; PubMed 33356723.

NM_001852.4(COL9A2):c.1717dup (p.His573fs)

Gene: COL9A2 (collagen type IX alpha 2 chain; minus strand). Cytogenetic location: 1p34.2.
Variant type: Duplication.
Coding change: c.1717dup on transcript NM_001852.4 (MANE Select); coding-DNA position 1717, one base duplicated (C; older notation c.1717dupC).
Protein change: p.His573fs; shifts the reading frame from histidine 573.
Molecular consequence: frameshift variant.
Genome position (GRCh38, 1-based): chr1:40,302,696, G duplicated on the plus strand (C on the coding strand, the reverse complement: COL9A2 is on the minus strand); the first of 5 consecutive G bases (chr1:40,302,696-40,302,700); duplicating any one gives the same sequence. VCF-style (leftmost placement, unchanged base first): chr1-40302695-T-TG. GRCh37 (hg19) VCF-style: chr1-40768367-T-TG.
Other names: short protein forms H573fs.
Identifiers: ClinVar variation 1909440 (VCV001909440.5), dbSNP rs1557791071, ClinGen allele CA522802809.